The following is an entry in ClinVar:

NM_000540.3(RYR1):c.5442G>A (p.Met1814Ile)

Gene: RYR1 (ryanodine receptor 1; plus strand). Cytogenetic location: 19q13.2.
Variant type: single nucleotide variant.
Coding change: c.5442G>A on transcript NM_000540.3 (MANE Select); coding-DNA position 5442, G replaced by A.
Protein change: p.Met1814Ile; replaces methionine 1814 with isoleucine.
Molecular consequence: missense variant.
Genome position (GRCh38, 1-based): chr19:38,486,097, G>A. VCF-style: chr19-38486097-G-A. GRCh37 (hg19) VCF-style: chr19-38976737-G-A.
Other names: c.5442G>A, p.Met1814Ile (NM_001042723.2); short protein forms M1814I.
Identifiers: ClinVar variation 3069294 (VCV003069294.1), dbSNP rs2514230225, ClinGen allele CA081788.

ClinVar aggregate classification (germline): Uncertain significance (1 of 4 stars; one submission).

Conditions:
Malignant hyperthermia, susceptibility to, 1 (MHS1). Also called: RYR1-Related Malignant Hyperthermia Susceptibility; Anesthesia related hyperthermia; Malignant hyperpyrexia; Fulminating hyperpyrexia; Pharmacogenic myopathy; Malignant hyperthermia suceptibility 1. Identifiers: Orphanet 423, MedGen C2930980, MONDO:0007783, OMIM 145600.

Allele frequency attached by ClinVar (database versions not stated): gnomAD exomes below 0.00001.

Submission:

All of Us Research Program, National Institutes of Health
Classification: Uncertain significance for Malignant hyperthermia, susceptibility to, 1. Last evaluated: 2022-11-23. Review status: criteria provided, single submitter. Criteria: ACMG Guidelines, 2015. Collection method: clinical testing. Allele origin: germline. Inheritance: Autosomal dominant inheritance. Observed: 1 variant allele, 1 heterozygote.
Comment: This study involves interpretation of variants in research participants for the purpose of population health screening. Participant phenotype was not available at the time of variant classification. Additional details can be found in publication PMID: 35346344, PMCID: PMC8962531